The following is an entry in ClinVar:

NM_152564.5(VPS13B):c.2323C>G (p.Pro775Ala)

Gene: VPS13B (vacuolar protein sorting 13 homolog B; plus strand). Cytogenetic location: 8q22.2.
Variant type: single nucleotide variant.
Coding change: c.2323C>G on transcript NM_152564.5 (MANE Select); coding-DNA position 2323, C replaced by G.
Protein change: p.Pro775Ala; replaces proline 775 with alanine.
Molecular consequence: missense variant.
Genome position (GRCh38, 1-based): chr8:99,170,153, C>G. VCF-style: chr8-99170153-C-G. GRCh37 (hg19) VCF-style: chr8-100182381-C-G.
Other names: c.2323C>G (NM_017890.3); c.2323C>G, p.Pro775Ala (NM_015243.3, NM_017890.5); short protein forms P775A.
Identifiers: ClinVar variation 859924 (VCV000859924.11), dbSNP rs779218452, ClinGen allele CA4822868.
Genomic context (GRCh38, chr8:99,170,153, plus strand): 5'-TTACCTGTACCAGTTATTCCCTCTTTCAGCACTGCTCTTTATGGGAAACTTCTGAAACTC[C>G]CCACATGCTGGTAAGTCTTACATGTTAAAATGTGATTTATGTTAATTTCCATTTATTAGG-3'
Protein context (NP_689777.3, residues 765-785): TALYGKLLKL[Pro775Ala]TCWTKRSQIA

ClinVar aggregate classification (germline): Uncertain significance. Review status: criteria provided, multiple submitters, no conflicts (2 of 4 stars). 5 submissions from 5 submitters: Uncertain significance (4). 1 of the submissions does not count toward it. Last evaluated 2024-07-14.

Conditions:
Inborn genetic diseases. Identifiers: MedGen C0950123, MeSH D030342.
Cohen syndrome (COH1). Also called: PEPPER SYNDROME; Cutis verticis gyrata, retinitis pigmentosa, and sensorineural deafness. Identifiers: Orphanet 193, MedGen C0265223, MONDO:0008999, OMIM 216550.

Allele frequency attached by ClinVar (database versions not stated): gnomAD exomes below 0.00001 and 0.00001; TOPMed 0.00001; ExAC 0.00002.
gnomAD v4.1: 18 of 1,612,468 alleles (0.0011%); highest among the groups gnomAD compares: Middle Eastern, 0.016%; no homozygotes.

Submissions (5):

Ambry Genetics
Classification: Uncertain significance for Inborn genetic diseases. Last evaluated: 2024-07-14. Review status: criteria provided, single submitter. Criteria: Ambry Variant Classification Scheme 2023. Collection method: clinical testing. Allele origin: germline.

Labcorp Genetics (formerly Invitae), Labcorp
Classification: Uncertain significance for Cohen syndrome. Last evaluated: 2022-03-29. Review status: criteria provided, single submitter. Criteria: Invitae Variant Classification Sherloc (09022015). Collection method: clinical testing. Allele origin: germline.
Comment: This sequence change replaces proline, which is neutral and non-polar, with alanine, which is neutral and non-polar, at codon 775 of the VPS13B protein (p.Pro775Ala). This variant is present in population databases (rs779218452, gnomAD 0.0009%). This variant has not been reported in the literature in individuals affected with VPS13B-related conditions. ClinVar contains an entry for this variant (Variation ID: 859924). Algorithms developed to predict the effect of missense changes on protein structure and function are either unavailable or do not agree on the potential impact of this missense change (SIFT: "Not Available"; PolyPhen-2: "Probably Damaging"; Align-GVGD: "Not Available"). In summary, the available evidence is currently insufficient to determine the role of this variant in disease. Therefore, it has been classified as a Variant of Uncertain Significance.

Fulgent Genetics
Classification: Uncertain significance for Cohen syndrome. Last evaluated: 2021-12-09. Review status: criteria provided, single submitter. Criteria: ACMG Guidelines, 2015. Collection method: clinical testing. Allele origin: unknown.

Breakthrough Genomics
Classification: Uncertain significance. Review status: criteria provided, single submitter. Criteria: ACMG Guidelines, 2015. Collection method: not provided. Allele origin: germline. Inheritance: Autosomal recessive inheritance. Affected: yes.

Natera, Inc.
Classification: Uncertain significance for Cohen syndrome. Last evaluated: 2021-09-15. Review status: no assertion criteria provided. Collection method: clinical testing. Allele origin: germline. Not counted in ClinVar's aggregate classification.